The following is an entry in ClinVar:

NM_024675.4(PALB2):c.3495G>C (p.Ser1165=)

Gene: PALB2 (partner and localizer of BRCA2; minus strand). Cytogenetic location: 16p12.2.
Variant type: single nucleotide variant.
Coding change: c.3495G>C on transcript NM_024675.4 (MANE Select); coding-DNA position 3495, G replaced by C.
Protein change: p.Ser1165=; no amino-acid change (serine 1165 retained).
Molecular consequence: synonymous variant.
Genome position (GRCh38, 1-based): chr16:23,603,525, C>G on the plus strand (G>C on the coding strand, the complement: PALB2 is on the minus strand). VCF-style: chr16-23603525-C-G. GRCh37 (hg19) VCF-style: chr16-23614846-C-G.
Identifiers: ClinVar variation 507527 (VCV000507527.13), dbSNP rs45439097, ClinGen allele CA494173562.

ClinVar aggregate classification (germline): Benign/Likely benign. Review status: criteria provided, multiple submitters, no conflicts (2 of 4 stars). 5 submissions from 5 submitters: Benign (1); Likely benign (4). Last evaluated 2026-01-06.

Conditions:
Hereditary cancer-predisposing syndrome. Also called: Hereditary neoplastic syndrome; Hereditary Cancer Syndrome; Neoplastic Syndromes, Hereditary; Tumor predisposition. Identifiers: Orphanet 140162, MedGen C0027672, MeSH D009386, MONDO:0015356.
Familial cancer of breast. Also called: hereditary breast carcinoma; BREAST CANCER, FAMILIAL; Hereditary breast cancer. Identifiers: Orphanet 227535, MedGen C0346153, MONDO:0016419, OMIM 114480. Disease mechanism: loss of function.

gnomAD v4.1: 1 of 1,613,972 alleles (0.000062%); highest among the groups gnomAD compares: Non-Finnish European, 0.000085%; no homozygotes.

Submissions (5):

Labcorp Genetics (formerly Invitae), Labcorp
Classification: Likely benign for Familial cancer of breast. Last evaluated: 2026-01-06. Review status: criteria provided, single submitter. Criteria: Invitae Variant Classification Sherloc (09022015). Collection method: clinical testing. Allele origin: germline.

Quest Diagnostics Nichols Institute San Juan Capistrano
Classification: Likely benign. Last evaluated: 2025-08-11. Review status: criteria provided, single submitter. Criteria: Quest Diagnostics criteria. Collection method: clinical testing. Allele origin: unknown.

Myriad Genetics, Inc.
Classification: Benign for Familial cancer of breast. Last evaluated: 2025-01-22. Review status: criteria provided, single submitter. Criteria: Myriad Autosomal Dominant, Autosomal Recessive and X-Linked Classification Criteria (2023). Collection method: clinical testing. Allele origin: unknown.
Comment: This variant is considered benign. This variant is a silent/synonymous amino acid change and it is not expected to impact splicing.

GeneDx
Classification: Likely benign. Last evaluated: 2019-05-10. Review status: criteria provided, single submitter. Criteria: GeneDx Variant Classification Process June 2021. Collection method: clinical testing. Allele origin: germline. Affected: yes.

Ambry Genetics
Classification: Likely benign for Hereditary cancer-predisposing syndrome. Last evaluated: 2015-07-15. Review status: criteria provided, single submitter. Criteria: Ambry Variant Classification Scheme 2023. Collection method: clinical testing. Allele origin: germline.